The following is an entry in ClinVar:

ClinVar aggregate classification (germline): Uncertain significance (1 of 4 stars; one submission).

Allele frequency attached by ClinVar (database versions not stated): gnomAD exomes below 0.00001.
gnomAD v4.1: 1 of 1,614,214 alleles (0.000062%); highest among the groups gnomAD compares: Middle Eastern, 0.016%; no homozygotes.

Submission:

Labcorp Genetics (formerly Invitae), Labcorp
Classification: Uncertain significance. Last evaluated: 2026-01-06. Review status: criteria provided, single submitter. Criteria: Invitae Variant Classification Sherloc (09022015). Collection method: clinical testing. Allele origin: germline.
Comment: This sequence change replaces glycine, which is neutral and non-polar, with arginine, which is basic and polar, at codon 910 of the LRP6 protein (p.Gly910Arg). This variant is not present in population databases (gnomAD no frequency). This variant has not been reported in the literature in individuals affected with LRP6-related conditions. ClinVar contains an entry for this variant (Variation ID: 2861067). Invitae Evidence Modeling of protein sequence and biophysical properties (such as structural, functional, and spatial information, amino acid conservation, physicochemical variation, residue mobility, and thermodynamic stability) indicates that this missense variant is not expected to disrupt LRP6 protein function with a negative predictive value of 80%. In summary, the available evidence is currently insufficient to determine the role of this variant in disease. Therefore, it has been classified as a Variant of Uncertain Significance.

NM_002336.3(LRP6):c.2728G>A (p.Gly910Arg)

Gene: LRP6 (LDL receptor related protein 6; minus strand). Cytogenetic location: 12p13.2.
Variant type: single nucleotide variant.
Coding change: c.2728G>A on transcript NM_002336.3 (MANE Select); coding-DNA position 2728, G replaced by A.
Protein change: p.Gly910Arg; replaces glycine 910 with arginine.
Molecular consequence: missense variant. On other transcripts: non-coding transcript variant (1).
Genome position (GRCh38, 1-based): chr12:12,158,892, C>T on the plus strand (G>A on the coding strand, the complement: LRP6 is on the minus strand). VCF-style: chr12-12158892-C-T. GRCh37 (hg19) VCF-style: chr12-12311826-C-T.
Other names: c.2728G>A, p.Gly910Arg (NM_001414244.1, NM_001414245.1, NM_001414246.1 and 4 more transcripts); c.2530G>A, p.Gly844Arg (NM_001414247.1); c.2275G>A, p.Gly759Arg (NM_001414252.1, NM_001414253.1, NM_001414254.1); c.2221G>A, p.Gly741Arg (NM_001414255.1); short protein forms G844R, G759R, G741R, G910R.
Identifiers: ClinVar variation 2861067 (VCV002861067.3), dbSNP rs2498824362, ClinGen allele CA383943715.